The following is an entry in ClinVar:

ClinVar aggregate classification (germline): Pathogenic (1 of 4 stars; one submission).

Conditions:
Spinal muscular atrophy with congenital bone fractures 1 (SMABF1). Also called: SMA1 with congenital bone fractures. Identifiers: MedGen C4225177, MONDO:0014806, OMIM 616866.

Submission:

Kasturba Medical College, Manipal, Kasturba Medical College, Manipal, Manipal Academy of Higher Education, Manipal, India
Classification: Pathogenic for Spinal muscular atrophy with congenital bone fractures 1. Review status: criteria provided, single submitter. Criteria: ACMG Guidelines, 2015. Collection method: research. Allele origin: biparental. Inheritance: Autosomal recessive inheritance. Affected: yes. Observed: 1 homozygote.
Comment: This variant is not found in the gnomAD population database (v4.1.0) and our in-house database of 3369 exomes. This variant results in premature truncation codon which can either cause the transcript to undergo nonsense-mediated mRNA decay or lead to formation of a truncated protein product

NM_016213.5(TRIP4):c.239C>A (p.Ser80Ter)

Gene: TRIP4 (thyroid hormone receptor interactor 4; plus strand). Cytogenetic location: 15q22.31.
Variant type: single nucleotide variant.
Coding change: c.239C>A on transcript NM_016213.5 (MANE Select); coding-DNA position 239, C replaced by A.
Protein change: p.Ser80Ter; replaces serine 80 with a stop codon.
Molecular consequence: nonsense. On other transcripts: 5 prime UTR variant (1), non-coding transcript variant (1).
Genome position (GRCh38, 1-based): chr15:64,394,083, C>A. VCF-style: chr15-64394083-C-A. GRCh37 (hg19) VCF-style: chr15-64686282-C-A.
Other names: c.-452C>A (NM_001321924.2); short protein forms S80*.
Identifiers: ClinVar variation 3385340 (VCV003385340.2).